The following is an entry in ClinVar:

ClinVar aggregate classification (germline): Uncertain significance (1 of 4 stars; one submission).

Submission:

Labcorp Genetics (formerly Invitae), Labcorp
Classification: Uncertain significance. Last evaluated: 2023-03-23. Review status: criteria provided, single submitter. Criteria: Invitae Variant Classification Sherloc (09022015). Collection method: clinical testing. Allele origin: germline.
Comment: In summary, the available evidence is currently insufficient to determine the role of this variant in disease. Therefore, it has been classified as a Variant of Uncertain Significance. Algorithms developed to predict the effect of sequence changes on RNA splicing suggest that this variant may disrupt the consensus splice site. ClinVar contains an entry for this variant (Variation ID: 2114149). This variant has not been reported in the literature in individuals affected with TNNI3K-related conditions. This variant is not present in population databases (gnomAD no frequency). This sequence change affects codon 510 of the TNNI3K mRNA. It is a 'silent' change, meaning that it does not change the encoded amino acid sequence of the TNNI3K protein.

NM_015978.3(TNNI3K):c.1530G>A (p.Val510=)

Genes: FPGT-TNNI3K (FPGT-TNNI3K readthrough; plus strand), TNNI3K (TNNI3 interacting kinase; plus strand). Cytogenetic location: 1p31.1.
Variant type: single nucleotide variant.
Coding change: c.1530G>A on transcript NM_015978.3 (MANE Select); coding-DNA position 1530, G replaced by A.
Protein change: p.Val510=; no amino-acid change (valine 510 retained).
Molecular consequence: synonymous variant.
Genome position (GRCh38, 1-based): chr1:74,369,448, G>A. VCF-style: chr1-74369448-G-A. GRCh37 (hg19) VCF-style: chr1-74835132-G-A.
Other names: c.1833G>A, p.Val611= (NM_001112808.3, NM_001199327.2).
Identifiers: ClinVar variation 2114149 (VCV002114149.4), dbSNP rs1463186446, ClinGen allele CA418443893.